The following is an entry in ClinVar:

ClinVar aggregate classification (germline): Benign. Review status: criteria provided, multiple submitters, no conflicts (2 of 4 stars). 14 submissions from 13 submitters: Benign (11). 3 of the submissions do not count toward it. Last evaluated 2026-02-04.

Conditions:
RYR1-related disorder. Also called: RYR1-related disorders; RYR1-related condition. Identifiers: MedGen CN239331.
Congenital multicore myopathy with external ophthalmoplegia (CMYO1B). Also called: MULTICORE MYOPATHY; Minicore myopathy with external ophthalmoplegia; Congenital myopathy 1B, autosomal recessive; Minicore myopathy; MULTIMINICORE DISEASE WITH EXTERNAL OPHTHALMOPLEGIA. Identifiers: Orphanet 598, Orphanet 98905, MedGen C1850674, MONDO:0009712, OMIM 255320, HP:0003789.
Malignant hyperthermia, susceptibility to, 1 (MHS1). Also called: RYR1-Related Malignant Hyperthermia Susceptibility; Malignant hyperthermia suceptibility 1; Anesthesia related hyperthermia; Malignant hyperpyrexia; Fulminating hyperpyrexia; Pharmacogenic myopathy. Identifiers: Orphanet 423, MedGen C2930980, MONDO:0007783, OMIM 145600.

Allele frequency attached by ClinVar (database versions not stated): ESP Exome Variant Server 0.01207; gnomAD 0.02154; ExAC 0.03171; gnomAD exomes 0.03493; 1000 Genomes Project 0.03494; 1000 Genomes Project 30x 0.03529.
gnomAD v4.1: 37,121 of 1,614,218 alleles (2.3%); highest among the groups gnomAD compares: Admixed American, 10%; 839 homozygotes.

Submissions (14):

Labcorp Genetics (formerly Invitae), Labcorp
Classification: Benign for RYR1-related disorder. Last evaluated: 2026-02-04. Review status: criteria provided, single submitter. Criteria: Invitae Variant Classification Sherloc (09022015). Collection method: clinical testing. Allele origin: germline.

Athena Diagnostics
Classification: Benign. Last evaluated: 2025-07-29. Review status: criteria provided, single submitter. Criteria: Athena Diagnostics Criteria. Collection method: clinical testing. Allele origin: unknown.
Comment: The frequency of this variant in the general population is higher than would generally be expected for pathogenic variants in this gene.

Color Diagnostics, LLC DBA Color Health
Classification: Benign for Malignant hyperthermia, susceptibility to, 1. Last evaluated: 2022-09-16. Review status: criteria provided, single submitter. Criteria: ACMG Guidelines, 2015. Collection method: clinical testing. Allele origin: germline.

PreventionGenetics, part of Exact Sciences
Classification: Benign. Last evaluated: 2018-03-06. Review status: criteria provided, single submitter. Criteria: ACMG Guidelines, 2015. Collection method: clinical testing. Allele origin: germline.

Illumina Laboratory Services, Illumina
Classification: Benign for Congenital multicore myopathy with external ophthalmoplegia. Last evaluated: 2018-01-13. Review status: criteria provided, single submitter. Criteria: ICSL Variant Classification Criteria 13 December 2019. Collection method: clinical testing. Allele origin: germline.
Comment: This variant was observed in the ICSL laboratory as part of a predisposition screen in an ostensibly healthy population. It had not been previously curated by ICSL or reported in the Human Gene Mutation Database (HGMD: prior to June 1st, 2018), and was therefore a candidate for classification through an automated scoring system. Utilizing variant allele frequency, disease prevalence and penetrance estimates, and inheritance mode, an automated score was calculated to assess if this variant is too frequent to cause the disease. Based on the score and internal cut-off values, a variant classified as benign is not then subjected to further curation. The score for this variant resulted in a classification of benign for this disease.

Illumina Laboratory Services, Illumina
Classification: Benign for Malignant hyperthermia, susceptibility to, 1. Last evaluated: 2018-01-13. Review status: criteria provided, single submitter. Criteria: ICSL Variant Classification Criteria 13 December 2019. Collection method: clinical testing. Allele origin: germline.
Comment: the same text as in the submission from Illumina Laboratory Services, Illumina above.

Mayo Clinic Laboratories, Mayo Clinic
Classification: Benign. Last evaluated: 2017-08-25. Review status: criteria provided, single submitter. Criteria: ACMG Guidelines, 2015. Collection method: clinical testing. Allele origin: germline. Observed: 40 variant alleles.

GeneDx
Classification: Benign. Last evaluated: 2016-02-17. Review status: criteria provided, single submitter. Criteria: GeneDx Variant Classification (06012015). Collection method: clinical testing. Allele origin: germline. Affected: yes.
Comment: This variant is considered likely benign or benign based on one or more of the following criteria: it is a conservative change, it occurs at a poorly conserved position in the protein, it is predicted to be benign by multiple in silico algorithms, and/or has population frequency not consistent with disease.

Eurofins Ntd Llc (ga)
Classification: Benign. Last evaluated: 2014-04-22. Review status: criteria provided, single submitter. Criteria: EGL Classification Definitions 2015. Collection method: clinical testing. Allele origin: germline. Observed: 2 variant alleles, 2 heterozygotes.

Genetic Services Laboratory, University of Chicago
Classification: Benign. Last evaluated: 2013-02-08. Review status: criteria provided, single submitter. Criteria: ACMG Guidelines, 2007. Collection method: clinical testing. Allele origin: germline. Inheritance: Autosomal unknown.

Breakthrough Genomics
Classification: Benign. Review status: criteria provided, single submitter. Criteria: ACMG Guidelines, 2015. Collection method: not provided. Allele origin: germline. Inheritance: Autosomal recessive inheritance. Affected: yes.

Joint Genome Diagnostic Labs from Nijmegen and Maastricht, Radboudumc and MUMC+
Classification: Benign. Review status: no assertion criteria provided. Collection method: clinical testing. Allele origin: germline. Affected: yes. Study: VKGL Data-share Consensus. Not counted in ClinVar's aggregate classification.

Laboratory of Diagnostic Genome Analysis, Leiden University Medical Center (LUMC)
Classification: Likely benign. Review status: no assertion criteria provided. Collection method: clinical testing. Allele origin: germline. Affected: yes. Study: VKGL Data-share Consensus. Not counted in ClinVar's aggregate classification.

RYR1 database
No classification provided. Review status: no classification provided. Collection method: not provided. Allele origin: unknown. Not counted in ClinVar's aggregate classification.

Literature cited by the submitters: PubMed 16917943 (cited by Athena Diagnostics); PubMed 19191333 (cited by Athena Diagnostics).

NM_000540.3(RYR1):c.11754T>A (p.Thr3918=)

Gene: RYR1 (ryanodine receptor 1; plus strand). Cytogenetic location: 19q13.2.
Variant type: single nucleotide variant.
Coding change: c.11754T>A on transcript NM_000540.3 (MANE Select); coding-DNA position 11754, T replaced by A.
Protein change: p.Thr3918=; no amino-acid change (threonine 3918 retained).
Molecular consequence: synonymous variant.
Genome position (GRCh38, 1-based): chr19:38,543,411, T>A. VCF-style: chr19-38543411-T-A. GRCh37 (hg19) VCF-style: chr19-39034051-T-A.
Other names: p.Thr3918=; c.11739T>A, p.Thr3913= (NM_001042723.2).
Identifiers: ClinVar variation 133019 (VCV000133019.30), dbSNP rs45613041, ClinGen allele CA023932.
Genomic context (GRCh38, chr19:38,543,411, plus strand): 5'-CCAGAACTACCTACGGACACAGACAGGGAACACGACCACTATTAACATCATCATTTGCAC[T>A]GTGGACTACCTCCTGCGGCTGCAGGTGAGGACGTGAGACGGTTCAGGTGTGACTTGGGTC-3'
Protein context (NP_000531.2, residues 3908-3928): NTTTINIIIC[Thr3918=]VDYLLRLQES